The following is an entry in ClinVar:

ClinVar aggregate classification (germline): Pathogenic/Likely pathogenic. Review status: criteria provided, multiple submitters, no conflicts (2 of 4 stars). 3 submissions from 3 submitters: Pathogenic (2); Likely pathogenic (1). Last evaluated 2021-08-01.

Conditions:
Heterotopia, periventricular, X-linked dominant (PVNH1). Also called: PERIVENTRICULAR NODULAR HETEROTOPIA 4; HETEROTOPIA, PERIVENTRICULAR, 1; X-linked periventricular heterotopia; PERIVENTRICULAR NODULAR HETEROTOPIA 1. Identifiers: Orphanet 2149, Orphanet 82004, MedGen C1848213, MONDO:0010233, OMIM 300049.
Melnick-Needles syndrome (MNS). Also called: Melnick-Needles Syndrome (FLNA-MNS); MELNICK-NEEDLES OSTEODYSPLASTY; OSTEODYSPLASTY OF MELNICK AND NEEDLES. Identifiers: Orphanet 2484, MedGen C0025237, MONDO:0010650, OMIM 309350.
Oto-palato-digital syndrome, type II (OPD2). Also called: Otopalatodigital Syndrome Type 2 (FLNA-OPD2); FACIOPALATOOSSEOUS SYNDROME; OPD II SYNDROME; Otopalatodigital Syndrome, Type II. Identifiers: Orphanet 669, Orphanet 90652, MedGen C1844696, MONDO:0010571, OMIM 304120.
Frontometaphyseal dysplasia (FMD1). Identifiers: Orphanet 1826, MedGen C0265293, MONDO:0015942.
Ventral hernia. Identifiers: MedGen C0019326, HP:0002933.
Patent ductus arteriosus. Identifiers: MedGen C0013274, MONDO:0011827, HP:0001643.
Abnormality of the face. Identifiers: MedGen C4025871, HP:0000271.
Global developmental delay (DD). Also called: Cognitive delay. Identifiers: MedGen C0557874, HP:0001263. Disease mechanism: loss of function.

Allele frequency attached by ClinVar (database versions not stated): gnomAD 0.00001.
gnomAD v4.1: 1 of 1,208,123 alleles (0.000083%); highest among the groups gnomAD compares: East Asian, 0.003%; no homozygotes.

Submissions (3):

Department of Clinical Genetics, Copenhagen University Hospital, Rigshospitalet
Classification: Likely pathogenic for Global developmental delay; Patent ductus arteriosus; Ventral hernia; Abnormality of the face. Last evaluated: 2021-08-01. Review status: criteria provided, single submitter. Criteria: ACMG Guidelines, 2015. Collection method: clinical testing. Allele origin: inherited. Affected: yes.

Labcorp Genetics (formerly Invitae), Labcorp
Classification: Pathogenic for Oto-palato-digital syndrome, type II; Heterotopia, periventricular, X-linked dominant; Frontometaphyseal dysplasia; Melnick-Needles syndrome. Last evaluated: 2021-07-09. Review status: criteria provided, single submitter. Criteria: Invitae Variant Classification Sherloc (09022015). Collection method: clinical testing. Allele origin: germline.
Comment: This sequence change creates a premature translational stop signal (p.Arg921*) in the FLNA gene. It is expected to result in an absent or disrupted protein product. Loss-of-function variants in FLNA are known to be pathogenic (PMID: 16684786, 20730588, 26471271). This variant is not present in population databases (ExAC no frequency). This variant has not been reported in the literature in individuals with FLNA-related conditions. ClinVar contains an entry for this variant (Variation ID: 93752). Algorithms developed to predict the effect of sequence changes on RNA splicing suggest that this variant may create or strengthen a splice site, but this prediction has not been confirmed by published transcriptional studies. For these reasons, this variant has been classified as Pathogenic.

Eurofins Ntd Llc (ga)
Classification: Pathogenic. Last evaluated: 2013-04-08. Review status: criteria provided, single submitter. Criteria: EGL Classification Definitions. Collection method: clinical testing. Allele origin: germline. Observed: 1 variant allele, 1 heterozygote.

Literature cited by the submitters: PubMed 16684786 (cited by Labcorp Genetics (formerly Invitae), Labcorp); PubMed 20730588 (cited by Labcorp Genetics (formerly Invitae), Labcorp); PubMed 26471271 (cited by Labcorp Genetics (formerly Invitae), Labcorp).

NM_001110556.2(FLNA):c.2761C>T (p.Arg921Ter)

Gene: FLNA (filamin A; minus strand). Cytogenetic location: Xq28.
Variant type: single nucleotide variant.
Coding change: c.2761C>T on transcript NM_001110556.2 (MANE Select); coding-DNA position 2761, C replaced by T.
Protein change: p.Arg921Ter; replaces arginine 921 with a stop codon.
Molecular consequence: nonsense.
Genome position (GRCh38, 1-based): chrX:154,362,044, G>A on the plus strand (C>T on the coding strand, the complement: FLNA is on the minus strand). VCF-style: chrX-154362044-G-A. GRCh37 (hg19) VCF-style: chrX-153590412-G-A.
Other names: c.2761C>T, p.Arg921Ter (NM_001456.4); short protein forms R921*.
Identifiers: ClinVar variation 93752 (VCV000093752.16), dbSNP rs398123614, ClinGen allele CA221702.
Genomic context (GRCh38, chrX:154,362,044, plus strand): 5'-GGACAGGCGTGTACTTGACTGTGTAGGTGTTGTCATGGTGGTCGATGATGTCCACATCTC[G>A]CACTGCATCCCCCTTGGTGAGTCCTGAGAACTGGACGTCCAGCTTGCCTTTGCCAGCAGC-3'